The following is an entry in ClinVar:

NM_000063.6(C2):c.2141G>A (p.Arg714His)

Gene: C2 (complement C2; plus strand). Cytogenetic location: 6p21.33.
Variant type: single nucleotide variant.
Coding change: c.2141G>A on transcript NM_000063.6 (MANE Select); coding-DNA position 2141, G replaced by A.
Protein change: p.Arg714His; replaces arginine 714 with histidine.
Molecular consequence: missense variant.
Genome position (GRCh38, 1-based): chr6:31,945,239, G>A. VCF-style: chr6-31945239-G-A. GRCh37 (hg19) VCF-style: chr6-31913016-G-A.
Other names: c.1745G>A, p.Arg582His (NM_001145903.3); c.1499G>A, p.Arg500His (NM_001178063.3); c.1403G>A, p.Arg468His (NM_001282457.2); c.2054G>A, p.Arg685His (NM_001282458.2); c.2141G>A (NM_000063.4); short protein forms R468H, R582H, R500H, R685H, R714H.
Identifiers: ClinVar variation 1351639 (VCV001351639.6), dbSNP rs745995611, ClinGen allele CA3727892.

ClinVar aggregate classification (germline): Uncertain significance. Review status: criteria provided, multiple submitters, no conflicts (2 of 4 stars). 2 submissions from 2 submitters: Uncertain significance (2). Last evaluated 2025-01-24.

Allele frequency attached by ClinVar (database versions not stated): gnomAD exomes 0.00002; ExAC 0.00003; TOPMed 0.00005; gnomAD 0.00001.
gnomAD v4.1: 38 of 1,612,794 alleles (0.0024%); highest among the groups gnomAD compares: Non-Finnish European, 0.0028%; no homozygotes.

Submissions (2):

Ambry Genetics
Classification: Uncertain significance. Last evaluated: 2025-01-24. Review status: criteria provided, single submitter. Criteria: Ambry Variant Classification Scheme 2023. Collection method: clinical testing. Allele origin: germline.

Labcorp Genetics (formerly Invitae), Labcorp
Classification: Uncertain significance. Last evaluated: 2022-07-19. Review status: criteria provided, single submitter. Criteria: Invitae Variant Classification Sherloc (09022015). Collection method: clinical testing. Allele origin: germline.
Comment: This sequence change replaces arginine, which is basic and polar, with histidine, which is basic and polar, at codon 714 of the C2 protein (p.Arg714His). This variant is present in population databases (rs745995611, gnomAD 0.004%). This variant has not been reported in the literature in individuals affected with C2-related conditions. ClinVar contains an entry for this variant (Variation ID: 1351639). Algorithms developed to predict the effect of missense changes on protein structure and function are either unavailable or do not agree on the potential impact of this missense change (SIFT: "Deleterious"; PolyPhen-2: "Benign"; Align-GVGD: "Class C0"). In summary, the available evidence is currently insufficient to determine the role of this variant in disease. Therefore, it has been classified as a Variant of Uncertain Significance.